The following is an entry in ClinVar:

ClinVar aggregate classification (germline): Benign/Likely benign. Review status: criteria provided, single submitter (1 of 4 stars). 4 submissions from 1 submitter: Benign (3); Likely benign (1). Last evaluated 2018-01-13.

Conditions:
Multiple endocrine neoplasia. Identifiers: Orphanet 276161, MedGen C0027662, MONDO:0017169.
Renal hypodysplasia/aplasia 1 (RHDA1). Also called: RENAL APLASIA; HEREDITARY RENAL APLASIA. Identifiers: Orphanet 411709, MedGen C1619700, MONDO:0024519, OMIM 191830.
Hirschsprung disease, susceptibility to, 1 (HSCR1). Also called: RET-Related Hirschsprung Disease. Identifiers: Orphanet 388, MedGen C3888239, MONDO:0007723, OMIM 142623.
Pheochromocytoma. Also called: MAX-Related Hereditary Paraganglioma-Pheochromocytoma Syndrome. Identifiers: Orphanet 29072, MedGen C0031511, MONDO:0008233, OMIM 171300, HP:0002666.

Allele frequency attached by ClinVar (database versions not stated): gnomAD exomes 0.00084; gnomAD 0.00596 and 0.00640; TOPMed 0.00697; 1000 Genomes Project 30x 0.00953; 1000 Genomes Project 0.00978.
gnomAD v4.1: 1,179 of 464,942 alleles (0.25%); highest among the groups gnomAD compares: African/African-American, 2%; 16 homozygotes.

Submissions (4):

Illumina Laboratory Services, Illumina
Classification: Benign for Pheochromocytoma. Last evaluated: 2018-01-13. Review status: criteria provided, single submitter. Criteria: ICSL Variant Classification Criteria 13 December 2019. Collection method: clinical testing. Allele origin: germline.
Comment: This variant was observed in the ICSL laboratory as part of a predisposition screen in an ostensibly healthy population. It had not been previously curated by ICSL or reported in the Human Gene Mutation Database (HGMD: prior to June 1st, 2018), and was therefore a candidate for classification through an automated scoring system. Utilizing variant allele frequency, disease prevalence and penetrance estimates, and inheritance mode, an automated score was calculated to assess if this variant is too frequent to cause the disease. Based on the score and internal cut-off values, a variant classified as benign is not then subjected to further curation. The score for this variant resulted in a classification of benign for this disease.

Illumina Laboratory Services, Illumina
Classification: Likely benign for Renal hypodysplasia/aplasia 1. Last evaluated: 2018-01-13. Review status: criteria provided, single submitter. Criteria: ICSL Variant Classification Criteria 13 December 2019. Collection method: clinical testing. Allele origin: germline.
Comment: This variant was observed in the ICSL laboratory as part of a predisposition screen in an ostensibly healthy population. It had not been previously curated by ICSL or reported in the Human Gene Mutation Database (HGMD: prior to June 1st, 2018), and was therefore a candidate for classification through an automated scoring system. Utilizing variant allele frequency, disease prevalence and penetrance estimates, and inheritance mode, an automated score was calculated to assess if this variant is too frequent to cause the disease. Based on the score and internal cut-off values, a variant classified as likely benign is not then subjected to further curation. The score for this variant resulted in a classification of likely benign for this disease.

Illumina Laboratory Services, Illumina
Classification: Benign for Multiple endocrine neoplasia. Last evaluated: 2018-01-13. Review status: criteria provided, single submitter. Criteria: ICSL Variant Classification Criteria 13 December 2019. Collection method: clinical testing. Allele origin: germline.
Comment: the same text as in the submission from Illumina Laboratory Services, Illumina above.

Illumina Laboratory Services, Illumina
Classification: Benign for Hirschsprung disease, susceptibility to, 1. Last evaluated: 2018-01-13. Review status: criteria provided, single submitter. Criteria: ICSL Variant Classification Criteria 13 December 2019. Collection method: clinical testing. Allele origin: germline.
Comment: the same text as in the submission from Illumina Laboratory Services, Illumina above.

NM_020975.6(RET):c.*330A>G

Gene: RET (ret proto-oncogene; plus strand). Cytogenetic location: 10q11.21.
Variant type: single nucleotide variant.
Coding change: c.*330A>G on transcript NM_020975.6 (MANE Select); 330 bases downstream of the stop codon, A replaced by G.
Molecular consequence: 3 prime UTR variant.
Genome position (GRCh38, 1-based): chr10:43,128,599, A>G. VCF-style: chr10-43128599-A-G. GRCh37 (hg19) VCF-style: chr10-43624047-A-G.
Other names: c.*330A>G (LRG_518t1).
Identifiers: ClinVar variation 299905 (VCV000299905.6), dbSNP rs141460872, ClinGen allele CA10631667.